The following is an entry in ClinVar:

ClinVar aggregate classification (germline): Conflicting classifications of pathogenicity. Review status: criteria provided, conflicting classifications (1 of 4 stars). 2 submissions from 2 submitters: Likely pathogenic (1); Uncertain significance (1). Last evaluated 2026-08-06.

Conditions:
Neurofibromatosis, type 1 (NF1). Also called: VON RECKLINGHAUSEN DISEASE; NEUROFIBROMATOSIS, TYPE I, SOMATIC; Peripheral type neurofibromatosis; Neurofibromatosis, type I. Identifiers: Orphanet 636, MedGen C0027831, MONDO:0018975, OMIM 162200. Disease mechanism: loss of function.

Submissions (2):

OLLIN Analises Genomicas, OLLIN
Classification: Likely pathogenic for Neurofibromatosis, type 1. Last evaluated: 2026-08-06. Review status: criteria provided, single submitter. Criteria: ACMG Guidelines 2015 PMID 25741868. Collection method: clinical testing. Allele origin: germline. Inheritance: Autosomal dominant inheritance.
Comment: This missense variant, located in exon 41 (of 58), is absent from gnomAD and has not been identified in the literature. However, it has been reported in ClinVar (accession VCV003900976.1). In silico analysis predicts that this variant has a deleterious effect. This variant is located in a region considered to be a mutational hotspot. This gene is constrained for missense variation. According to the currently available evidence, this variant has been classified as likely pathogenic (PM1, PM2_P, PP2, PP3).

Clinical Genomics Laboratory, Stanford Medicine
Classification: Uncertain significance for Neurofibromatosis, type 1. Last evaluated: 2022-07-05. Review status: criteria provided, single submitter. Criteria: ACMG Guidelines, 2015. Collection method: clinical testing. Allele origin: de novo. Observed: 1 variant allele, 1 heterozygote.
Comment: This variant was absent from large population databases, including the Genome Aggregation Database. The gene has fewer missense variants in the general population than expected. A low rate of missense NF1 variation may suggest that this gene is intolerant to missense variation. Computational tools predict that this variant is deleterious; however, the accuracy of in silico algorithms is limited. These data were assessed using the ACMG/AMP variant interpretation guidelines. In summary, the significance of the p.Ile1982Thr variant is uncertain. Additional information is needed to resolve the significance of this variant. [ACMG evidence codes used: PS2_supporting; PM2; PP2; PP3]

NM_001042492.3(NF1):c.6008T>C (p.Ile2003Thr)

Gene: NF1 (neurofibromin 1; plus strand). Cytogenetic location: 17q11.2.
Variant type: single nucleotide variant.
Coding change: c.6008T>C on transcript NM_001042492.3 (MANE Select); coding-DNA position 6008, T replaced by C.
Protein change: p.Ile2003Thr; replaces isoleucine 2003 with threonine.
Molecular consequence: missense variant.
Genome position (GRCh38, 1-based): chr17:31,336,334, T>C. VCF-style: chr17-31336334-T-C. GRCh37 (hg19) VCF-style: chr17-29663352-T-C.
Other names: c.5945T>C, p.Ile1982Thr (NM_000267.4); short protein forms I1982T, I2003T.
Identifiers: ClinVar variation 3900976 (VCV003900976.2).